The following is an entry in ClinVar:

NM_017849.4(TMEM127):c.67C>T (p.Leu23=)

Genes: TMEM127 (transmembrane protein 127; minus strand), LOC129934333 (ATAC-STARR-seq lymphoblastoid silent region 11759; plus strand). Cytogenetic location: 2q11.2.
Variant type: single nucleotide variant.
Coding change: c.67C>T on transcript NM_017849.4 (MANE Select); coding-DNA position 67, C replaced by T.
Protein change: p.Leu23=; no amino-acid change (leucine 23 retained).
Molecular consequence: synonymous variant.
Genome position (GRCh38, 1-based): chr2:96,265,315, G>A on the plus strand (C>T on the coding strand, the complement: TMEM127 is on the minus strand). VCF-style: chr2-96265315-G-A. GRCh37 (hg19) VCF-style: chr2-96931053-G-A.
Other names: c.67C>T, p.Leu23= (NM_001193304.3).
Identifiers: ClinVar variation 696347 (VCV000696347.14), dbSNP rs749807415, ClinGen allele CA1777402.

ClinVar aggregate classification (germline): Benign/Likely benign. Review status: criteria provided, multiple submitters, no conflicts (2 of 4 stars). 3 submissions from 3 submitters: Benign (1); Likely benign (2). Last evaluated 2026-07-28.

Conditions:
Hereditary cancer-predisposing syndrome. Also called: Hereditary neoplastic syndrome; Neoplastic Syndromes, Hereditary; Tumor predisposition; Hereditary Cancer Syndrome. Identifiers: Orphanet 140162, MedGen C0027672, MeSH D009386, MONDO:0015356.
Hereditary pheochromocytoma and paraganglioma. Also called: Hereditary pheochromocytoma-paraganglioma; Hereditary paragangliomas and pheochromocytomas; Hereditary Paraganglioma-Pheochromocytoma Syndromes. Identifiers: Orphanet 29072, MedGen C4274332, MONDO:0017366.

Allele frequency attached by ClinVar (database versions not stated): ExAC 0.00015; 1000 Genomes Project 30x 0.00016.
gnomAD v4.1: 18 of 1,535,712 alleles (0.0012%); highest among the groups gnomAD compares: South Asian, 0.011%; no homozygotes.

Submissions (3):

Myriad Genetics, Inc.
Classification: Benign for Hereditary pheochromocytoma and paraganglioma. Last evaluated: 2026-07-28. Review status: criteria provided, single submitter. Criteria: Myriad Autosomal Dominant, Autosomal Recessive and X-Linked Classification Criteria (2023). Collection method: clinical testing. Allele origin: unknown.
Comment: This variant is considered benign. This variant is a silent/synonymous amino acid change and it is not expected to impact splicing.

Labcorp Genetics (formerly Invitae), Labcorp
Classification: Likely benign for Hereditary pheochromocytoma and paraganglioma. Last evaluated: 2026-01-14. Review status: criteria provided, single submitter. Criteria: Invitae Variant Classification Sherloc (09022015). Collection method: clinical testing. Allele origin: germline.

Ambry Genetics
Classification: Likely benign for Hereditary cancer-predisposing syndrome. Last evaluated: 2019-12-19. Review status: criteria provided, single submitter. Criteria: Ambry Variant Classification Scheme 2023. Collection method: clinical testing. Allele origin: germline.